The following is an entry in ClinVar:

NM_000539.3(RHO):c.520G>C (p.Gly174Arg)

Gene: RHO (rhodopsin; plus strand). Cytogenetic location: 3q22.1.
Variant type: single nucleotide variant.
Coding change: c.520G>C on transcript NM_000539.3 (MANE Select); coding-DNA position 520, G replaced by C.
Protein change: p.Gly174Arg; replaces glycine 174 with arginine.
Molecular consequence: missense variant.
Genome position (GRCh38, 1-based): chr3:129,531,034, G>C. VCF-style: chr3-129531034-G-C. GRCh37 (hg19) VCF-style: chr3-129249877-G-C.
Other names: short protein forms G174R.
Identifiers: ClinVar variation 1722951 (VCV001722951.2), dbSNP rs527236103, ClinGen allele CA354498773.
Genomic context (GRCh38, chr3:129,531,034, plus strand): 5'-ATCATGGGCGTTGCCTTCACCTGGGTCATGGCGCTGGCCTGCGCCGCACCCCCACTCGCC[G>C]GCTGGTCCAGGTAATGGCACTGAGCAGAAGGGAAGAAGCTCCGGGGGCTCTTTGTAGGGT-3'
Protein context (NP_000530.1, residues 164-184): ALACAAPPLA[Gly174Arg]WSRYIPEGLQ

ClinVar aggregate classification (germline): Uncertain significance (1 of 4 stars; one submission).

Submission:

GeneDx
Classification: Uncertain significance. Last evaluated: 2022-05-06. Review status: criteria provided, single submitter. Criteria: GeneDx Variant Classification Process June 2021. Collection method: clinical testing. Allele origin: germline. Affected: yes.
Comment: Not observed at significant frequency in large population cohorts (gnomAD); In silico analysis supports that this missense variant has a deleterious effect on protein structure/function; Has not been previously published as pathogenic or benign to our knowledge